The following is an entry in ClinVar:

NM_001184880.2(PCDH19):c.1682C>G (p.Pro561Arg)

Gene: PCDH19 (protocadherin 19; minus strand). Cytogenetic location: Xq22.1.
Variant type: single nucleotide variant.
Coding change: c.1682C>G on transcript NM_001184880.2 (MANE Select); coding-DNA position 1682, C replaced by G.
Protein change: p.Pro561Arg; replaces proline 561 with arginine.
Molecular consequence: missense variant.
Genome position (GRCh38, 1-based): chrX:100,406,916, G>C on the plus strand (C>G on the coding strand, the complement: PCDH19 is on the minus strand). VCF-style: chrX-100406916-G-C. GRCh37 (hg19) VCF-style: chrX-99661914-G-C.
Other names: p.P561R:CCG>CGG; c.1682C>G, p.Pro561Arg (NM_001105243.2, NM_020766.3); short protein forms P561R.
Identifiers: ClinVar variation 206337 (VCV000206337.21), dbSNP rs796052819, ClinGen allele CA316366.

ClinVar aggregate classification (germline): Conflicting classifications of pathogenicity. Review status: criteria provided, conflicting classifications (1 of 4 stars). 5 submissions from 5 submitters: Pathogenic (3); Likely pathogenic (1); Uncertain significance (1). Last evaluated 2025-05-17.

Conditions:
Inborn genetic diseases. Identifiers: MedGen C0950123, MeSH D030342.
Developmental and epileptic encephalopathy, 9 (DEE9). Also called: Early infantile epileptic encephalopathy 9; EPILEPSY, FEMALE-RESTRICTED, WITH MENTAL RETARDATION; PCDH19-Related X-Linked Female-Limited Epilepsy with Mental Retardation; JUBERG-HELLMAN SYNDROME. Identifiers: Orphanet 101039, Orphanet 2076, MedGen C1848137, MONDO:0010246, OMIM 300088. Disease mechanism: loss of function.

Submissions (5):

Labcorp Genetics (formerly Invitae), Labcorp
Classification: Pathogenic for Developmental and epileptic encephalopathy, 9. Last evaluated: 2025-05-17. Review status: criteria provided, single submitter. Criteria: Invitae Variant Classification Sherloc (09022015). Collection method: clinical testing. Allele origin: germline.
Comment: This sequence change replaces proline, which is neutral and non-polar, with arginine, which is basic and polar, at codon 561 of the PCDH19 protein (p.Pro561Arg). This variant is not present in population databases (gnomAD no frequency). This missense change has been observed in individuals with clinical features of PCDH19-related conditions (PMID: 21053371, 28669061). ClinVar contains an entry for this variant (Variation ID: 206337). Invitae Evidence Modeling of protein sequence and biophysical properties (such as structural, functional, and spatial information, amino acid conservation, physicochemical variation, residue mobility, and thermodynamic stability) indicates that this missense variant is expected to disrupt PCDH19 protein function with a positive predictive value of 95%. This variant disrupts the p.Pro561 amino acid residue in PCDH19. Other variant(s) that disrupt this residue have been determined to be pathogenic (PMID: 30287595). This suggests that this residue is clinically significant, and that variants that disrupt this residue are likely to be disease-causing. For these reasons, this variant has been classified as Pathogenic.

GeneDx
Classification: Pathogenic. Last evaluated: 2024-09-05. Review status: criteria provided, single submitter. Criteria: GeneDx Variant Classification Process June 2021. Collection method: clinical testing. Allele origin: germline. Affected: yes.
Comment: In silico analysis supports that this missense variant has a deleterious effect on protein structure/function; Not observed at significant frequency in large population cohorts (gnomAD); This variant is associated with the following publications: (PMID: 27787195, 23708187, 32425876, 30287595, 34082468, 26986070, 29892053, 26659599, 22267240, 30582250, 28669061, 21053371)

Victorian Clinical Genetics Services, Murdoch Childrens Research Institute
Classification: Pathogenic for Developmental and epileptic encephalopathy, 9. Last evaluated: 2021-05-06. Review status: criteria provided, single submitter. Criteria: ACMG Guidelines, 2015. Collection method: clinical testing. Allele origin: germline. Inheritance: X-linked inheritance. Affected: yes.
Comment: Based on the classification scheme VCGS_Germline_v1.3.4, this variant is classified as Pathogenic. Following criteria are met: 0102 - Loss of function is a known mechanism of disease in this gene and is associated with X-linked developmental and epileptic encephalopathy 9 (MIM#300088). (I) 0110 - This gene is associated with X-linked disease. Heterozygous females and mosaic males are affected, however hemizygous males do not present with symptoms (PMID: 28669061). (I) 0200 - Variant is predicted to result in a missense amino acid change from proline to arginine. (I) 0254 - This variant is suspected mosaic. (I) 0301 - Variant is absent from gnomAD (both v2 and v3). (SP) 0501 - Missense variant consistently predicted to be damaging by multiple in silico tools and highly conserved with a major amino acid change. (SP) 0604 - Variant is not located in an established domain, motif, hotspot or informative constraint region. (I) 0703 - Other missense variants comparable to the one identified in this case have moderate previous evidence for pathogenicity. Alternative changes at the same residue, to alanine and serine, have previously been reported as pathogenic in individuals with X-linked developmental and epileptic encephalopathy 9 (MIM#300088) (ClinVar, PMID: 29866057). (SP) 0802 - This variant has moderate previous evidence of pathogenicity in unrelated individuals. (SP) 1102 - Strong phenotype match for this individual. (SP) Legend: (SP) - Supporting pathogenic, (I) - Information, (SB) - Supporting benign

Ambry Genetics
Classification: Likely pathogenic for Inborn genetic diseases. Last evaluated: 2016-10-17. Review status: criteria provided, single submitter. Criteria: Ambry Variant Classification Scheme 2023. Collection method: clinical testing. Allele origin: germline.
Comment: The p.P561R variant (also known as c.1682C>G), located in coding exon 1 of the PCDH19 gene, results from a C to G substitution at nucleotide position 1682. The proline at codon 561 is replaced by arginine, an amino acid with dissimilar properties. This variant was not reported in population based cohorts in the following databases: Database of Single Nucleotide Polymorphisms (dbSNP), NHLBI Exome Sequencing Project (ESP), and 1000 Genomes Project. In the ESP, this variant was not observed in 6375 samples with coverage at this position. This amino acid position is highly conserved in available vertebrate species. In addition, this alteration is predicted to be deleterious by in silico analysis. Based on the majority of available evidence to date, this variant is likely to be pathogenic.

Eurofins Ntd Llc (ga)
Classification: Uncertain significance. Last evaluated: 2016-10-14. Review status: criteria provided, single submitter. Criteria: EGL Classification Definitions 2015. Collection method: clinical testing. Allele origin: germline. Observed: 1 variant allele, 1 heterozygote.

Literature cited by the submitters: PubMed 21053371 (cited by 3 submitters); PubMed 28669061 (cited by Labcorp Genetics (formerly Invitae), Labcorp and Victorian Clinical Genetics Services, Murdoch Childrens Research Institute); PubMed 30287595 (cited by Labcorp Genetics (formerly Invitae), Labcorp); PubMed 29866057 (cited by Victorian Clinical Genetics Services, Murdoch Childrens Research Institute); PubMed 23708187 (cited by Ambry Genetics).